The following is an entry in ClinVar:

NM_001083116.3(PRF1):c.722C>A (p.Thr241Asn)

Gene: PRF1 (perforin 1; minus strand). Cytogenetic location: 10q22.1.
Variant type: single nucleotide variant.
Coding change: c.722C>A on transcript NM_001083116.3 (MANE Select); coding-DNA position 722, C replaced by A.
Protein change: p.Thr241Asn; replaces threonine 241 with asparagine.
Molecular consequence: missense variant.
Genome position (GRCh38, 1-based): chr10:70,598,999, G>T on the plus strand (C>A on the coding strand, the complement: PRF1 is on the minus strand). VCF-style: chr10-70598999-G-T. GRCh37 (hg19) VCF-style: chr10-72358755-G-T.
Other names: c.722C>A, p.Thr241Asn (NM_005041.6); short protein forms T241N.
Identifiers: ClinVar variation 2145708 (VCV002145708.2), dbSNP rs1376694517, ClinGen allele CA376958825.

ClinVar aggregate classification (germline): Uncertain significance. Review status: criteria provided, multiple submitters, no conflicts (2 of 4 stars). 2 submissions from 2 submitters: Uncertain significance (2). Last evaluated 2022-07-12.

Conditions:
Familial hemophagocytic lymphohistiocytosis 2 (FHL2). Also called: PRF1-Related Familial Hemophagocytic Lymphohistiocytosis (PRF1-fHLH). Identifiers: Orphanet 540, MedGen C1863727, MONDO:0011337, OMIM 603553.
Inborn genetic diseases. Identifiers: MedGen C0950123, MeSH D030342.

Allele frequency attached by ClinVar (database versions not stated): gnomAD 0.00002; TOPMed 0.00003.

Submissions (2):

Ambry Genetics
Classification: Uncertain significance for Inborn genetic diseases. Last evaluated: 2022-07-12. Review status: criteria provided, single submitter. Criteria: Ambry Variant Classification Scheme 2023. Collection method: clinical testing. Allele origin: germline.

Labcorp Genetics (formerly Invitae), Labcorp
Classification: Uncertain significance for Familial hemophagocytic lymphohistiocytosis 2. Last evaluated: 2022-02-10. Review status: criteria provided, single submitter. Criteria: Invitae Variant Classification Sherloc (09022015). Collection method: clinical testing. Allele origin: germline.
Comment: This sequence change replaces threonine, which is neutral and polar, with asparagine, which is neutral and polar, at codon 241 of the PRF1 protein (p.Thr241Asn). This variant is present in population databases (no rsID available, gnomAD no frequency). This variant has not been reported in the literature in individuals affected with PRF1-related conditions. Algorithms developed to predict the effect of missense changes on protein structure and function are either unavailable or do not agree on the potential impact of this missense change (SIFT: "Deleterious"; PolyPhen-2: "Probably Damaging"; Align-GVGD: "Class C0"). In summary, the available evidence is currently insufficient to determine the role of this variant in disease. Therefore, it has been classified as a Variant of Uncertain Significance.